The following is an entry in ClinVar:

ClinVar aggregate classification (germline): Uncertain significance (1 of 4 stars; one submission).

Conditions:
Inborn genetic diseases. Identifiers: MedGen C0950123, MeSH D030342.

gnomAD v4.1: 1 of 1,613,954 alleles (0.000062%); highest among the groups gnomAD compares: Non-Finnish European, 0.000085%; no homozygotes.

Submission:

Ambry Genetics
Classification: Uncertain significance for Inborn genetic diseases. Last evaluated: 2022-05-11. Review status: criteria provided, single submitter. Criteria: Ambry Variant Classification Scheme 2023. Collection method: clinical testing. Allele origin: germline.
Comment: The p.E1286Q variant (also known as c.3856G>C), located in coding exon 28 of the DST gene, results from a G to C substitution at nucleotide position 3856. The glutamic acid at codon 1286 is replaced by glutamine, an amino acid with highly similar properties. This amino acid position is highly conserved in available vertebrate species. In addition, the in silico prediction for this alteration is inconclusive. Since supporting evidence is limited at this time, the clinical significance of this alteration remains unclear.

NM_001374736.1(DST):c.3955G>C (p.Glu1319Gln)

Gene: DST (dystonin; minus strand). Cytogenetic location: 6p12.1.
Variant type: single nucleotide variant.
Coding change: c.3955G>C on transcript NM_001374736.1 (MANE Select); coding-DNA position 3955, G replaced by C.
Protein change: p.Glu1319Gln; replaces glutamic acid 1319 with glutamine.
Molecular consequence: missense variant.
Genome position (GRCh38, 1-based): chr6:56,631,891, C>G on the plus strand (G>C on the coding strand, the complement: DST is on the minus strand). VCF-style: chr6-56631891-C-G. GRCh37 (hg19) VCF-style: chr6-56496689-C-G.
Other names: c.3856G>C, p.Glu1286Gln (NM_001144769.5); c.3442G>C, p.Glu1148Gln (NM_001144770.2); c.3955G>C, p.Glu1319Gln (NM_001374722.1); c.3322G>C, p.Glu1108Gln (NM_001374729.1, NM_001374730.1, NM_001386100.1 and 1 more transcripts); c.3982G>C, p.Glu1328Gln (NM_001374734.1); c.2344G>C, p.Glu782Gln (NM_001723.7, NM_015548.5); short protein forms E1319Q, E1328Q, E1108Q, E1286Q, E782Q, E1148Q.
Identifiers: ClinVar variation 1735561 (VCV001735561.2), dbSNP rs2536988882, ClinGen allele CA364574760.